The following is an entry in ClinVar:

ClinVar aggregate classification (germline): Uncertain significance. Review status: criteria provided, multiple submitters, no conflicts (2 of 4 stars). 2 submissions from 2 submitters: Uncertain significance (2). Last evaluated 2025-03-19.

Conditions:
Inborn genetic diseases. Identifiers: MedGen C0950123, MeSH D030342.
Amyotrophic lateral sclerosis type 1 (ALS1). Also called: AMYOTROPHIC LATERAL SCLEROSIS 1, FAMILIAL. Identifiers: Orphanet 803, MedGen C1862939, MONDO:0007103, OMIM 105400.
Perry syndrome. Also called: PARKINSONISM WITH ALVEOLAR HYPOVENTILATION AND MENTAL DEPRESSION. Identifiers: Orphanet 178509, MedGen C1868594, MONDO:0008201, OMIM 168605.
Neuronopathy, distal hereditary motor, type 7B. Also called: LOWER MOTOR NEURON DISEASE, DYNACTIN TYPE; HMN VIIB; NEURONOPATHY, DISTAL HEREDITARY MOTOR, AUTOSOMAL DOMINANT 14; NEURONOPATHY, DISTAL HEREDITARY MOTOR, HARDING TYPE VIIB; NEUROPATHY, DISTAL HEREDITARY MOTOR, HARDING TYPE VIIB; NEUROPATHY, DISTAL HEREDITARY MOTOR, WITH VOCAL CORD PARALYSIS, HARDING TYPE VIIB. Identifiers: Orphanet 139589, MedGen C1843315, MONDO:0011879, OMIM 607641.

Allele frequency attached by ClinVar (database versions not stated): ExAC 0.00001; gnomAD exomes 0.00001; ESP Exome Variant Server 0.00008; gnomAD 0.00010; TOPMed 0.00013.
gnomAD v4.1: 31 of 1,613,344 alleles (0.0019%); highest among the groups gnomAD compares: African/African-American, 0.031%; no homozygotes.

Submissions (2):

Labcorp Genetics (formerly Invitae), Labcorp
Classification: Uncertain significance for Amyotrophic lateral sclerosis type 1; Neuronopathy, distal hereditary motor, type 7B; Perry syndrome. Last evaluated: 2025-03-19. Review status: criteria provided, single submitter. Criteria: Invitae Variant Classification Sherloc (09022015). Collection method: clinical testing. Allele origin: germline.
Comment: This sequence change replaces alanine, which is neutral and non-polar, with proline, which is neutral and non-polar, at codon 142 of the DCTN1 protein (p.Ala142Pro). This variant is present in population databases (rs372096285, gnomAD 0.02%). This variant has not been reported in the literature in individuals affected with DCTN1-related conditions. ClinVar contains an entry for this variant (Variation ID: 641178). Invitae Evidence Modeling of protein sequence and biophysical properties (such as structural, functional, and spatial information, amino acid conservation, physicochemical variation, residue mobility, and thermodynamic stability) indicates that this missense variant is not expected to disrupt DCTN1 protein function with a negative predictive value of 95%. In summary, the available evidence is currently insufficient to determine the role of this variant in disease. Therefore, it has been classified as a Variant of Uncertain Significance.

Ambry Genetics
Classification: Uncertain significance for Inborn genetic diseases. Last evaluated: 2022-08-08. Review status: criteria provided, single submitter. Criteria: Ambry Variant Classification Scheme 2023. Collection method: clinical testing. Allele origin: germline.

NM_004082.5(DCTN1):c.424G>C (p.Ala142Pro)

Gene: DCTN1 (dynactin subunit 1; minus strand). Cytogenetic location: 2p13.1.
Variant type: single nucleotide variant.
Coding change: c.424G>C on transcript NM_004082.5 (MANE Select); coding-DNA position 424, G replaced by C.
Protein change: p.Ala142Pro; replaces alanine 142 with proline.
Molecular consequence: missense variant. On other transcripts: intron variant (3).
Genome position (GRCh38, 1-based): chr2:74,374,331, C>G on the plus strand (G>C on the coding strand, the complement: DCTN1 is on the minus strand). VCF-style: chr2-74374331-C-G. GRCh37 (hg19) VCF-style: chr2-74601458-C-G.
Other names: c.22G>C, p.Ala8Pro (NM_001135041.3, NM_023019.4); c.403G>C, p.Ala135Pro (NM_001190837.2); c.373G>C, p.Ala125Pro (NM_001378991.1); c.343-2603G>C (NM_001190836.2); c.364-1383G>C (NM_001378992.1); c.394-2603G>C (NM_001135040.3); short protein forms A135P, A8P, A142P, A125P.
Identifiers: ClinVar variation 641178 (VCV000641178.10), dbSNP rs372096285, ClinGen allele CA1722468.
Genomic context (GRCh38, chr2:74,374,331, plus strand): 5'-TGCCACCATTGCCCTGGCAACCCAGCAGCAGGACGAGAGCAAGCAAGAGTACCTTTCGGG[C>G]TGTCGGTGCCTGTCTCATCATTGCAGAAAACCAAAGAAAGCAAGGAGAGGAAAGAGGAGG-3'
Protein context (NP_004073.2, residues 132-152): RGLKPKKAPT[Ala142Pro]RKTTTRRPKP